The following is an entry in ClinVar:

ClinVar aggregate classification (germline): Uncertain significance. Review status: criteria provided, multiple submitters, no conflicts (2 of 4 stars). 2 submissions from 2 submitters: Uncertain significance (2). Last evaluated 2025-01-18.

Conditions:
Inborn genetic diseases. Identifiers: MedGen C0950123, MeSH D030342.

Allele frequency attached by ClinVar (database versions not stated): gnomAD 0.00007; gnomAD exomes 0.00010.

Submissions (2):

Ambry Genetics
Classification: Uncertain significance for Inborn genetic diseases. Last evaluated: 2025-01-18. Review status: criteria provided, single submitter. Criteria: Ambry Variant Classification Scheme 2023. Collection method: clinical testing. Allele origin: germline.

Labcorp Genetics (formerly Invitae), Labcorp
Classification: Uncertain significance. Last evaluated: 2022-06-28. Review status: criteria provided, single submitter. Criteria: Invitae Variant Classification Sherloc (09022015). Collection method: clinical testing. Allele origin: germline.
Comment: This sequence change replaces serine, which is neutral and polar, with cysteine, which is neutral and slightly polar, at codon 224 of the PROP1 protein (p.Ser224Cys). This variant is present in population databases (rs372777572, gnomAD 0.005%). This variant has not been reported in the literature in individuals affected with PROP1-related conditions. Algorithms developed to predict the effect of missense changes on protein structure and function are either unavailable or do not agree on the potential impact of this missense change (SIFT: "Deleterious"; PolyPhen-2: "Possibly Damaging"; Align-GVGD: "Class C15"). In summary, the available evidence is currently insufficient to determine the role of this variant in disease. Therefore, it has been classified as a Variant of Uncertain Significance.

NM_006261.5(PROP1):c.671C>G (p.Ser224Cys)

Gene: PROP1 (PROP paired-like homeobox 1; minus strand). Cytogenetic location: 5q35.3.
Variant type: single nucleotide variant.
Coding change: c.671C>G on transcript NM_006261.5 (MANE Select); coding-DNA position 671, C replaced by G.
Protein change: p.Ser224Cys; replaces serine 224 with cysteine.
Molecular consequence: missense variant.
Genome position (GRCh38, 1-based): chr5:177,992,719, G>C on the plus strand (C>G on the coding strand, the complement: PROP1 is on the minus strand). VCF-style: chr5-177992719-G-C. GRCh37 (hg19) VCF-style: chr5-177419720-G-C.
Other names: c.671C>G (NM_006261.4); short protein forms S224C.
Identifiers: ClinVar variation 2148161 (VCV002148161.2), dbSNP rs372777572, ClinGen allele CA3587476.